The following is an entry in ClinVar:

ClinVar aggregate classification (germline): Benign. Review status: criteria provided, multiple submitters, no conflicts (2 of 4 stars). 3 submissions from 3 submitters: Benign (3). Last evaluated 2026-02-02.

Allele frequency attached by ClinVar (database versions not stated): ExAC 0.00253; gnomAD 0.00781 and 0.00843; 1000 Genomes Project 0.00819; TOPMed 0.00904; 1000 Genomes Project 30x 0.00906; ESP Exome Variant Server 0.00923; gnomAD exomes 0.00076 and 0.00192.
gnomAD v4.1: 2,363 of 1,603,402 alleles (0.15%); highest among the groups gnomAD compares: African/African-American, 2.8%; 23 homozygotes.

Submissions (3):

Labcorp Genetics (formerly Invitae), Labcorp
Classification: Benign. Last evaluated: 2026-02-02. Review status: criteria provided, single submitter. Criteria: Invitae Variant Classification Sherloc (09022015). Collection method: clinical testing. Allele origin: germline.

Women's Health and Genetics/Laboratory Corporation of America, LabCorp
Classification: Benign. Last evaluated: 2026-01-23. Review status: criteria provided, single submitter. Criteria: LabCorp Variant Classification Summary - May 2015. Collection method: clinical testing. Allele origin: germline.

Mayo Clinic Laboratories, Mayo Clinic
Classification: Benign. Last evaluated: 2025-07-29. Review status: criteria provided, single submitter. Criteria: ACMG Guidelines, 2015. Collection method: clinical testing. Allele origin: germline. Observed: 3 variant alleles.
Comment: BS1, BS2, BP4, BP7

NM_033004.4(NLRP1):c.2871-10G>A

Gene: NLRP1 (NLR family pyrin domain containing 1; minus strand). Cytogenetic location: 17p13.2.
Variant type: single nucleotide variant.
Coding change: c.2871-10G>A on transcript NM_033004.4 (MANE Select); 10 bases into the intron before coding-DNA position 2871, G replaced by A.
Molecular consequence: intron variant.
Genome position (GRCh38, 1-based): chr17:5,536,950, C>T on the plus strand (G>A on the coding strand, the complement: NLRP1 is on the minus strand). VCF-style: chr17-5536950-C-T. GRCh37 (hg19) VCF-style: chr17-5440270-C-T.
Other names: p.?; c.2871-10G>A (NM_001033053.3, NM_014922.5); c.2870+2465G>A (NM_033007.4, NM_033006.4).
Identifiers: ClinVar variation 710409 (VCV000710409.13), dbSNP rs114512284, ClinGen allele CA8327015.